The following is an entry in ClinVar:

ClinVar aggregate classification (germline): Likely pathogenic (1 of 4 stars; one submission).

Submission:

Labcorp Genetics (formerly Invitae), Labcorp
Classification: Likely pathogenic. Last evaluated: 2023-05-20. Review status: criteria provided, single submitter. Criteria: Invitae Variant Classification Sherloc (09022015). Collection method: clinical testing. Allele origin: unknown.
Comment: This variant results in a copy number gain of the genomic region encompassing exon(s) 4-32 of the PCDH15 gene. While the exact position of this variant cannot be determined from the data, sub-genic copy number gains are generally in tandem (PMID: 25640679). This variant is predicted to be out-of-frame, and may result in an absent or disrupted protein product. Loss-of-function variants in PCDH15 are known to be pathogenic (PMID: 11398101, 11487575, 14570705). In summary, the currently available evidence indicates that the variant is pathogenic, but additional data are needed to prove that conclusively. Therefore, this variant has been classified as Likely Pathogenic. This variant has not been reported in the literature in individuals affected with PCDH15-related conditions.

Literature cited by the submitters: PubMed 25640679; PubMed 11398101; PubMed 11487575; PubMed 14570705.

NC_000010.10:g.(?_55587133)_(56138722_?)dup

Gene: PCDH15 (protocadherin related 15; minus strand). Cytogenetic location: 10q21.1.
Variant type: Duplication.
Identifiers: ClinVar variation 3245033 (VCV003245033.1).